The following is an entry in ClinVar:

NM_001256071.3(RNF213):c.5717G>A (p.Arg1906His)

Gene: RNF213 (ring finger protein 213; plus strand). Cytogenetic location: 17q25.3.
Variant type: single nucleotide variant.
Coding change: c.5717G>A on transcript NM_001256071.3 (MANE Select); coding-DNA position 5717, G replaced by A.
Protein change: p.Arg1906His; replaces arginine 1906 with histidine.
Molecular consequence: missense variant.
Genome position (GRCh38, 1-based): chr17:80,340,084, G>A. VCF-style: chr17-80340084-G-A. GRCh37 (hg19) VCF-style: chr17-78313884-G-A.
Other names: c.5864G>A, p.Arg1955His (NM_001410195.1, NM_020914.5); short protein forms R1906H, R1955H.
Identifiers: ClinVar variation 3002146 (VCV003002146.3), dbSNP rs747767551, ClinGen allele CA8820358.

ClinVar aggregate classification (germline): Uncertain significance (1 of 4 stars; one submission).

Allele frequency attached by ClinVar (database versions not stated): gnomAD exomes 0.00001; TOPMed 0.00001; gnomAD 0.00002; ExAC 0.00004.
gnomAD v4.1: 14 of 1,600,778 alleles (0.00087%); highest among the groups gnomAD compares: South Asian, 0.0067%; no homozygotes.

Submission:

Labcorp Genetics (formerly Invitae), Labcorp
Classification: Uncertain significance. Last evaluated: 2024-10-15. Review status: criteria provided, single submitter. Criteria: Invitae Variant Classification Sherloc (09022015). Collection method: clinical testing. Allele origin: germline.
Comment: This sequence change replaces arginine, which is basic and polar, with histidine, which is basic and polar, at codon 1906 of the RNF213 protein (p.Arg1906His). This variant is present in population databases (rs747767551, gnomAD 0.007%). This variant has not been reported in the literature in individuals affected with RNF213-related conditions. Invitae Evidence Modeling of protein sequence and biophysical properties (such as structural, functional, and spatial information, amino acid conservation, physicochemical variation, residue mobility, and thermodynamic stability) indicates that this missense variant is not expected to disrupt RNF213 protein function with a negative predictive value of 95%. In summary, the available evidence is currently insufficient to determine the role of this variant in disease. Therefore, it has been classified as a Variant of Uncertain Significance.